The following is an entry in ClinVar:

NM_003482.4(KMT2D):c.5199_5206dup (p.Pro1736fs)

Gene: KMT2D (lysine methyltransferase 2D; minus strand). Cytogenetic location: 12q13.12.
Variant type: Duplication.
Coding change: c.5199_5206dup on transcript NM_003482.4 (MANE Select); coding-DNA positions 5199 to 5206, 8 bases duplicated (TGACCTGC; older notation c.5199_5206dupTGACCTGC).
Protein change: p.Pro1736fs; shifts the reading frame from proline 1736.
Molecular consequence: frameshift variant.
Genome position (GRCh38, 1-based): chr12:49,043,981-49,043,988, GCAGGTCA duplicated on the plus strand (TGACCTGC on the coding strand, the reverse complement: KMT2D is on the minus strand); duplicating any 8 consecutive bases within chr12:49,043,981-49,043,994 gives the same sequence; the c. name uses the placement nearest the transcript's 3' end. VCF-style (leftmost placement, unchanged base first): chr12-49043980-G-GGCAGGTCA. GRCh37 (hg19) VCF-style: chr12-49437763-G-GGCAGGTCA.
Other names: c.5199_5206dupTGACCTGC (NM_003482.3); short protein forms P1736fs.
Identifiers: ClinVar variation 647911 (VCV000647911.6), dbSNP rs1592142239, ClinGen allele CA915948404.

ClinVar aggregate classification (germline): Pathogenic (1 of 4 stars; one submission).

Conditions:
Kabuki syndrome. Also called: NIIKAWA-KUROKI SYNDROME; Kabuki make-up syndrome. Identifiers: Orphanet 2322, MedGen C0796004, MONDO:0016512.

Submission:

Labcorp Genetics (formerly Invitae), Labcorp
Classification: Pathogenic for Kabuki syndrome. Last evaluated: 2022-11-15. Review status: criteria provided, single submitter. Criteria: Invitae Variant Classification Sherloc (09022015). Collection method: clinical testing. Allele origin: germline.
Comment: ClinVar contains an entry for this variant (Variation ID: 647911). For these reasons, this variant has been classified as Pathogenic. This variant has not been reported in the literature in individuals affected with KMT2D-related conditions. This variant is not present in population databases (gnomAD no frequency). This sequence change creates a premature translational stop signal (p.Pro1736Leufs*13) in the KMT2D gene. It is expected to result in an absent or disrupted protein product. Loss-of-function variants in KMT2D are known to be pathogenic (PMID: 22126750).

Literature cited by the submitters: PubMed 22126750.